The following is an entry in ClinVar:

ClinVar aggregate classification (germline): Conflicting classifications of pathogenicity. Review status: criteria provided, conflicting classifications (1 of 4 stars). 6 submissions from 6 submitters: Uncertain significance (1); Benign (1); Likely benign (4). Last evaluated 2025-12-19.

Conditions:
Hereditary cancer-predisposing syndrome. Also called: Neoplastic Syndromes, Hereditary; Hereditary neoplastic syndrome; Tumor predisposition; Hereditary Cancer Syndrome. Identifiers: Orphanet 140162, MedGen C0027672, MeSH D009386, MONDO:0015356.
Familial cancer of breast. Also called: hereditary breast carcinoma; Hereditary breast cancer; BREAST CANCER, FAMILIAL. Identifiers: Orphanet 227535, MedGen C0346153, MONDO:0016419, OMIM 114480. Disease mechanism: loss of function.
Ataxia-telangiectasia syndrome (AT). Also called: Ataxia telangiectasia (A-T); Cerebello-oculocutaneous telangiectasia; Immunodeficiency with ataxia telangiectasia; LOUIS-BAR SYNDROME; AT, COMPLEMENTATION GROUP C; ATAXIA-TELANGIECTASIA, FRESNO VARIANT. Identifiers: Orphanet 100, MedGen C0004135, MONDO:0008840, OMIM 208900.

Allele frequency attached by ClinVar (database versions not stated): gnomAD exomes 0.00001; gnomAD 0.00001; TOPMed below 0.00001.
gnomAD v4.1: 11 of 1,613,996 alleles (0.00068%); highest among the groups gnomAD compares: Non-Finnish European, 0.00093%; no homozygotes.

Submissions (6):

Labcorp Genetics (formerly Invitae), Labcorp
Classification: Likely benign for Ataxia-telangiectasia syndrome. Last evaluated: 2025-12-19. Review status: criteria provided, single submitter. Criteria: Invitae Variant Classification Sherloc (09022015). Collection method: clinical testing. Allele origin: germline.

Myriad Genetics, Inc.
Classification: Benign for Familial cancer of breast. Last evaluated: 2024-06-24. Review status: criteria provided, single submitter. Criteria: Myriad Autosomal Dominant, Autosomal Recessive and X-Linked Classification Criteria (2023). Collection method: clinical testing. Allele origin: unknown.
Comment: This variant is considered benign. This variant is a silent/synonymous amino acid change and it is not expected to impact splicing.

GeneDx
Classification: Uncertain significance. Last evaluated: 2024-05-03. Review status: criteria provided, single submitter. Criteria: GeneDx Variant Classification Process June 2021. Collection method: clinical testing. Allele origin: germline. Affected: yes.
Comment: Not observed at significant frequency in large population cohorts (gnomAD); In silico analysis indicates that this variant does not alter splicing; Has not been previously published as pathogenic or benign to our knowledge

Blueprint Genetics
Classification: Likely benign. Last evaluated: 2021-12-13. Review status: criteria provided, single submitter. Criteria: ACMG Guidelines, 2015. Collection method: clinical testing. Allele origin: germline.

Color Diagnostics, LLC DBA Color Health
Classification: Likely benign for Hereditary cancer-predisposing syndrome. Last evaluated: 2017-03-03. Review status: criteria provided, single submitter. Criteria: ACMG Guidelines, 2015. Collection method: clinical testing. Allele origin: germline.

Ambry Genetics
Classification: Likely benign for Hereditary cancer-predisposing syndrome. Last evaluated: 2015-04-03. Review status: criteria provided, single submitter. Criteria: Ambry Variant Classification Scheme 2023. Collection method: clinical testing. Allele origin: germline.

NM_000051.4(ATM):c.9049C>T (p.Leu3017=)

Genes: ATM (ATM serine/threonine kinase; plus strand), C11orf65 (chromosome 11 open reading frame 65; minus strand). Cytogenetic location: 11q22.3.
Variant type: single nucleotide variant.
Coding change: c.9049C>T on transcript NM_000051.4 (MANE Select); coding-DNA position 9049, C replaced by T.
Protein change: p.Leu3017=; no amino-acid change (leucine 3017 retained).
Molecular consequence: synonymous variant. On other transcripts: intron variant (2).
Genome position (GRCh38, 1-based): chr11:108,365,386, C>T. VCF-style: chr11-108365386-C-T. GRCh37 (hg19) VCF-style: chr11-108236113-C-T.
Other names: c.9049C>T, p.Leu3017= (NM_001351834.2); c.640+20534G>A (NM_001330368.2); c.694+20534G>A (NM_001351110.2).
Identifiers: ClinVar variation 231160 (VCV000231160.22), dbSNP rs876658991, ClinGen allele CA10579339.